The following is an entry in ClinVar:

NM_000142.5(FGFR3):c.1826C>T (p.Ala609Val)

Gene: FGFR3 (fibroblast growth factor receptor 3; plus strand). Cytogenetic location: 4p16.3.
Variant type: single nucleotide variant.
Coding change: c.1826C>T on transcript NM_000142.5 (MANE Select); coding-DNA position 1826, C replaced by T.
Protein change: p.Ala609Val; replaces alanine 609 with valine.
Molecular consequence: missense variant. On other transcripts: non-coding transcript variant (1).
Genome position (GRCh38, 1-based): chr4:1,805,930, C>T. VCF-style: chr4-1805930-C-T. GRCh37 (hg19) VCF-style: chr4-1807657-C-T.
Other names: c.1832C>T, p.Ala611Val (NM_001163213.2); c.1829C>T, p.Ala610Val (NM_001354809.2, NM_001354810.2); c.1490C>T, p.Ala497Val (NM_022965.4); short protein forms A609V, A610V, A497V, A611V.
Identifiers: ClinVar variation 2195040 (VCV002195040.6), dbSNP rs142093553, ClinGen allele CA2810586.

ClinVar aggregate classification (germline): Uncertain significance. Review status: criteria provided, multiple submitters, no conflicts (2 of 4 stars). 3 submissions from 3 submitters: Uncertain significance (3). Last evaluated 2026-06-23.

Conditions:
FGFR3-related chondrodysplasia. Identifiers: Orphanet 93420, MedGen C5681604, MONDO:0019685.
FGFR3-related disorder. Also called: FGFR3-related disorders.

Allele frequency attached by ClinVar (database versions not stated): gnomAD exomes 0.00002; ExAC 0.00003; gnomAD 0.00003; ESP Exome Variant Server 0.00008.
gnomAD v4.1: 28 of 1,608,806 alleles (0.0017%); highest among the groups gnomAD compares: East Asian, 0.0022%; no homozygotes.

Submissions (3):

Genomenon, Inc
Classification: Uncertain significance for FGFR3-related chondrodysplasia. Last evaluated: 2026-06-23. Review status: criteria provided, single submitter. Criteria: Genomenon Sequence Variant Interpretation Standards - Updated. Collection method: curation. Allele origin: germline. Affected: no.
Comment: FGFR3 p.Ala609Val (c.1826C>T) is a missense variant that changes the amino acid at codon 609 from Alanine to Valine. This variant has been reported in the published literature (PMID:41062690). It is absent or not present at a significant frequency in gnomAD. In silico models predict that this variant is possibly or probably damaging. In conclusion, we classify FGFR3 p.Ala609Val (c.1826C>T) as a variant of uncertain significance.

PreventionGenetics, part of Exact Sciences
Classification: Uncertain significance for FGFR3-related condition. Last evaluated: 2026-06-08. Review status: criteria provided, single submitter. Criteria: ACMG Guidelines, 2015. Collection method: clinical testing. Allele origin: germline.
Comment: The FGFR3 c.1826C>T variant is predicted to result in the amino acid substitution p.Ala609Val. To our knowledge, this variant has not been reported in the literature. This variant is reported in 0.0050% of alleles in individuals of East Asian descent in gnomAD. At this time, the clinical significance of this variant is uncertain due to the absence of conclusive functional and genetic evidence.

Labcorp Genetics (formerly Invitae), Labcorp
Classification: Uncertain significance. Last evaluated: 2022-03-13. Review status: criteria provided, single submitter. Criteria: Invitae Variant Classification Sherloc (09022015). Collection method: clinical testing. Allele origin: germline.
Comment: In summary, the available evidence is currently insufficient to determine the role of this variant in disease. Therefore, it has been classified as a Variant of Uncertain Significance. Algorithms developed to predict the effect of missense changes on protein structure and function (SIFT, PolyPhen-2, Align-GVGD) all suggest that this variant is likely to be disruptive. This variant has not been reported in the literature in individuals affected with FGFR3-related conditions. This variant is present in population databases (rs142093553, gnomAD 0.005%). This sequence change replaces alanine, which is neutral and non-polar, with valine, which is neutral and non-polar, at codon 609 of the FGFR3 protein (p.Ala609Val).

Literature cited by the submitters: PubMed 41062690 (cited by Genomenon, Inc).